The following is an entry in ClinVar:

ClinVar aggregate classification (germline): Likely benign. Review status: criteria provided, multiple submitters, no conflicts (2 of 4 stars). 2 submissions from 2 submitters: Likely benign (2). Last evaluated 2026-01-13.

Conditions:
Congenital myasthenic syndrome 8. Also called: MYASTHENIC SYNDROME, CONGENITAL, DUE TO AGRIN DEFICIENCY; Myasthenic syndrome, congenital, 8, with pre- and postsynaptic defects. Identifiers: Orphanet 590, MedGen C3808739, MONDO:0014052, OMIM 615120.
AGRN-related disorder. Also called: AGRN-related condition.

gnomAD v4.1: 49 of 1,613,876 alleles (0.003%); highest among the groups gnomAD compares: South Asian, 0.0088%; no homozygotes.

Submissions (2):

PreventionGenetics, part of Exact Sciences
Classification: Likely benign for AGRN-related condition. Last evaluated: 2026-01-13. Review status: criteria provided, single submitter. Criteria: ACMG Guidelines, 2015. Collection method: clinical testing. Allele origin: germline.
Comment: This variant is classified as likely benign based on ACMG/AMP sequence variant interpretation guidelines (Richards et al. 2015 PMID: 25741868, with internal and published modifications).

Labcorp Genetics (formerly Invitae), Labcorp
Classification: Likely benign for Congenital myasthenic syndrome 8. Last evaluated: 2025-03-10. Review status: criteria provided, single submitter. Criteria: Invitae Variant Classification Sherloc (09022015). Collection method: clinical testing. Allele origin: germline.

NM_198576.4(AGRN):c.2730G>A (p.Ala910=)

Gene: AGRN (agrin; plus strand). Cytogenetic location: 1p36.33.
Variant type: single nucleotide variant.
Coding change: c.2730G>A on transcript NM_198576.4 (MANE Select); coding-DNA position 2730, G replaced by A.
Protein change: p.Ala910=; no amino-acid change (alanine 910 retained).
Molecular consequence: synonymous variant.
Genome position (GRCh38, 1-based): chr1:1,046,013, G>A. VCF-style: chr1-1046013-G-A. GRCh37 (hg19) VCF-style: chr1-981393-G-A.
Other names: c.2730G>A, p.Ala910= (NM_001305275.2); c.2415G>A, p.Ala805= (NM_001364727.2); c.2730G>A (NM_198576.3).
Identifiers: ClinVar variation 3667988 (VCV003667988.3).